The following is an entry in ClinVar:

NM_000875.5(IGF1R):c.959A>G (p.Tyr320Cys)

Genes: IGF1R (insulin like growth factor 1 receptor; plus strand), LOC126862245 (P300/CBP strongly-dependent group 1 enhancer GRCh37_chr15:99439536-99440735; plus strand). Cytogenetic location: 15q26.3.
Variant type: single nucleotide variant.
Coding change: c.959A>G on transcript NM_000875.5 (MANE Select); coding-DNA position 959, A replaced by G.
Protein change: p.Tyr320Cys; replaces tyrosine 320 with cysteine.
Molecular consequence: missense variant.
Genome position (GRCh38, 1-based): chr15:98,896,762, A>G. VCF-style: chr15-98896762-A-G. GRCh37 (hg19) VCF-style: chr15-99439991-A-G.
Other names: c.959A>G, p.Tyr320Cys (NM_001291858.2); short protein forms Y320C.
Identifiers: ClinVar variation 3372072 (VCV003372072.2).

ClinVar aggregate classification (germline): Uncertain significance (1 of 4 stars; one submission).

Submission:

GeneDx
Classification: Uncertain significance. Last evaluated: 2025-07-30. Review status: criteria provided, single submitter. Criteria: GeneDx Variant Classification Process June 2021. Collection method: clinical testing. Allele origin: germline. Affected: yes.
Comment: Not observed at significant frequency in large population cohorts (gnomAD); In silico analysis supports that this missense variant has a deleterious effect on protein structure/function; Has not been previously published as pathogenic or benign to our knowledge